The following is an entry in ClinVar:

ClinVar aggregate classification (germline): Likely pathogenic (1 of 4 stars; one submission).

Conditions:
Congenital contractures of the limbs and face, hypotonia, and developmental delay (CLIFAHDD). Identifiers: Orphanet 562528, MedGen C4225398, MONDO:0014556, OMIM 616266.

Submission:

Center for Human Genetics and Genomic Medicine, Uniklinik Rwth Aachen
Classification: Likely pathogenic for Congenital contractures of the limbs and face, hypotonia, and developmental delay. Last evaluated: 2021-10-04. Review status: criteria provided, single submitter. Criteria: ACMG Guidelines, 2015. Collection method: clinical testing. Allele origin: de novo. Affected: yes.
Comment: The variant is absent from controls and it affects a relevant transmembrane segment of the NALCN ion channel. We therefore regard the variant as "likely pathogenic".

NM_052867.4(NALCN):c.500T>A (p.Ile167Asn)

Gene: NALCN (sodium leak channel, non-selective; minus strand). Cytogenetic location: 13q33.1.
Variant type: single nucleotide variant.
Coding change: c.500T>A on transcript NM_052867.4 (MANE Select); coding-DNA position 500, T replaced by A.
Protein change: p.Ile167Asn; replaces isoleucine 167 with asparagine.
Molecular consequence: missense variant.
Genome position (GRCh38, 1-based): chr13:101,376,932, A>T on the plus strand (T>A on the coding strand, the complement: NALCN is on the minus strand). VCF-style: chr13-101376932-A-T. GRCh37 (hg19) VCF-style: chr13-102029283-A-T.
Other names: c.500T>A, p.Ile167Asn (NM_001350748.2, NM_001350749.2, NM_001350750.2 and 1 more transcripts); short protein forms I167N.
Identifiers: ClinVar variation 1299238 (VCV001299238.3), dbSNP rs2139420897, ClinGen allele CA388705580.